The following is an entry in ClinVar:

NM_000130.5(F5):c.6309G>A (p.Leu2103=)

Gene: F5 (coagulation factor V; minus strand). Cytogenetic location: 1q24.2.
Variant type: single nucleotide variant.
Coding change: c.6309G>A on transcript NM_000130.5 (MANE Select); coding-DNA position 6309, G replaced by A.
Protein change: p.Leu2103=; no amino-acid change (leucine 2103 retained).
Molecular consequence: synonymous variant.
Genome position (GRCh38, 1-based): chr1:169,518,448, C>T on the plus strand (G>A on the coding strand, the complement: F5 is on the minus strand). VCF-style: chr1-169518448-C-T. GRCh37 (hg19) VCF-style: chr1-169487686-C-T.
Identifiers: ClinVar variation 293575 (VCV000293575.56), dbSNP rs35369423, ClinGen allele CA1233268.
Genomic context (GRCh38, chr1:169,518,448, plus strand): 5'-CACCATGCATAGAGTATACTTGACCTTGGCTTGCCAGGCATTCACACGTCCCTGGGCATT[C>T]AGACGGGCACGGAAGGGTTCCCAGTAATCTCCCCACCAAGATTTCTTAAACGAAGAAGCT-3'
Protein context (NP_000121.2, residues 2093-2113): GDYWEPFRAR[Leu2103=]NAQGRVNAWQ

ClinVar aggregate classification (germline): Conflicting classifications of pathogenicity. Review status: criteria provided, conflicting classifications (1 of 4 stars). 6 submissions from 4 submitters: Uncertain significance (1); Benign (1); Likely benign (4). Last evaluated 2026-09-01.

Conditions:
Thrombophilia due to thrombin defect (THPH1). Also called: Thrombosis susceptibility; THROMBOPHILIA DUE TO FACTOR 2 DEFECT; Prothrombin-Related Thrombophilia (Factor II); Prothrombin Thrombophilia. Identifiers: MedGen C3160733, MONDO:0008559, OMIM 188050. Disease mechanism: gain of function, loss of function.
Factor V deficiency. Also called: Reduced coagulation factor V activity. Identifiers: Orphanet 326, MedGen C4317320, MONDO:0020586, HP:0003225.
Budd-Chiari syndrome (BDCHS). Also called: Hepatic vein obstruction. Identifiers: Orphanet 131, MedGen C0856761, MONDO:0010947, OMIM 600880, HP:0002639.
Inborn genetic diseases. Identifiers: MedGen C0950123, MeSH D030342.
Congenital factor V deficiency. Also called: LABILE FACTOR DEFICIENCY; Hereditary factor V deficiency disease; OWREN PARAHEMOPHILIA; PARAHEMOPHILIA. Identifiers: Orphanet 326, MedGen C0015499, MONDO:0009210, OMIM 227400.

Allele frequency attached by ClinVar (database versions not stated): 1000 Genomes Project 0.00200; 1000 Genomes Project 30x 0.00234; TOPMed 0.00243; ESP Exome Variant Server 0.00292; gnomAD 0.00352 and 0.00361; gnomAD exomes 0.00373 and 0.00409; ExAC 0.00396.
gnomAD v4.1: 5,932 of 1,613,810 alleles (0.37%); highest among the groups gnomAD compares: South Asian, 0.41%; 24 homozygotes.

Submissions (6):

CeGaT Center for Human Genetics Tuebingen
Classification: Likely benign. Last evaluated: 2026-09-01. Review status: criteria provided, single submitter. Criteria: CeGaT Center For Human Genetics Tuebingen Variant Classification Criteria Version 2. Collection method: clinical testing. Allele origin: germline. Affected: yes. Observed: 13 variant alleles.
Comment: F5: BP4, BP7, BS2

Labcorp Genetics (formerly Invitae), Labcorp
Classification: Benign for Congenital factor V deficiency. Last evaluated: 2026-02-04. Review status: criteria provided, single submitter. Criteria: Invitae Variant Classification Sherloc (09022015). Collection method: clinical testing. Allele origin: germline.

Ambry Genetics
Classification: Likely benign for Inborn genetic diseases. Last evaluated: 2022-04-06. Review status: criteria provided, single submitter. Criteria: Ambry Variant Classification Scheme 2023. Collection method: clinical testing. Allele origin: germline.

Illumina Laboratory Services, Illumina
Classification: Likely benign for Venous thrombosis. Last evaluated: 2018-01-12. Review status: criteria provided, single submitter. Criteria: ICSL Variant Classification Criteria 13 December 2019. Collection method: clinical testing. Allele origin: germline.
Comment: This variant was observed in the ICSL laboratory as part of a predisposition screen in an ostensibly healthy population. It had not been previously curated by ICSL or reported in the Human Gene Mutation Database (HGMD: prior to June 1st, 2018), and was therefore a candidate for classification through an automated scoring system. Utilizing variant allele frequency, disease prevalence and penetrance estimates, and inheritance mode, an automated score was calculated to assess if this variant is too frequent to cause the disease. Based on the score and internal cut-off values, a variant classified as likely benign is not then subjected to further curation. The score for this variant resulted in a classification of likely benign for this disease.

Illumina Laboratory Services, Illumina
Classification: Uncertain significance for Budd-Chiari syndrome. Last evaluated: 2018-01-12. Review status: criteria provided, single submitter. Criteria: ICSL Variant Classification Criteria 13 December 2019. Collection method: clinical testing. Allele origin: germline.

Illumina Laboratory Services, Illumina
Classification: Likely benign for Congenital factor V deficiency. Last evaluated: 2018-01-12. Review status: criteria provided, single submitter. Criteria: ICSL Variant Classification Criteria 13 December 2019. Collection method: clinical testing. Allele origin: germline.
Comment: the same text as in the submission from Illumina Laboratory Services, Illumina above.